The following is an entry in ClinVar:

ClinVar aggregate classification (germline): Pathogenic (1 of 4 stars; one submission).

Conditions:
Microcephaly, normal intelligence and immunodeficiency (NBS). Also called: Microcephaly with normal intelligence immunodeficiency and lymphoreticular malignancies; Nonsyndromal microcephaly autosomal recessive with normal intelligence; Seemanova syndrome 2; SEEMANOVA SYNDROME II; BERLIN BREAKAGE SYNDROME; Immunodeficiency, microcephaly with normal intelligence. Identifiers: Orphanet 647, MedGen C0398791, MONDO:0009623, OMIM 251260.

Submission:

Labcorp Genetics (formerly Invitae), Labcorp
Classification: Pathogenic for Microcephaly, normal intelligence and immunodeficiency. Last evaluated: 2022-10-31. Review status: criteria provided, single submitter. Criteria: Invitae Variant Classification Sherloc (09022015). Collection method: clinical testing. Allele origin: germline.
Comment: For these reasons, this variant has been classified as Pathogenic. Retrotransposon insertions including LINE1 (L1), Alu, and SVA (SINE-VNTR-Alu) have been reported to be disease-causing through disruption of either a coding region or splice site (PMID: 19763152, 20307669, 22406018) and loss-of-function variants in NBN are known to be pathogenic (PMID: 9590180, 16415040). Algorithms developed to predict the effect of sequence changes on RNA splicing suggest that this variant may disrupt the consensus splice site. ClinVar contains an entry for this variant (Variation ID: 1070578). This variant has not been reported in the literature in individuals affected with NBN-related conditions. This variant is not present in population databases (gnomAD no frequency). This sequence change inserts a large fragment of DNA, likely a transposable element, in exon 2 of the NBN gene (c.113_114ins?), causing a frameshift at codon 38 (p.Asp38fs). The exact size and sequence of the insertion cannot be determined by the current assay. However, the insertion is expected to result in an absent or disrupted protein product.

Literature cited by the submitters: PubMed 19763152; PubMed 20307669; PubMed 22406018; PubMed 9590180; PubMed 16415040.

NM_002485.5(NBN):c.113_114insGGCCGGGCGCGGTGGCTCACGCCTGTAATCCCAGCACTTTGGGAGGCCGAGGCGGGTGGATCATGAGGTCAGGAGATCGAGACCATCCTGGCTAACAAGGTGAAANNNNNNNNNNAAAAAAAAAAAAAAAAAAAAGAAAATGA (p.Asp38delinsGluAlaGlyArgGlyGlySerArgLeuTer)

Gene: NBN (nibrin; minus strand). Cytogenetic location: 8q21.3.
Variant type: Insertion.
Coding change: c.113_114insGGCCGGGCGCGGTGGCTCACGCCTGTAATCCCAGCACTTTGGGAGGCCGAGGCGGGTGGATCATGAGGTCAGGAGATCGAGACCATCCTGGCTAACAAGGTGAAANNNNNNNNNNAAAAAAAAAAAAAAAAAAAAGAAAATGA on transcript NM_002485.5 (MANE Select); coding-DNA positions 113 to 114, GGCCGGGCGCGGTGGCTCACGCCTGTAATCCCAGCACTTTGGGAGGCCGAGGCGGGTGGATCATGAGGTCAGGAGATCGAGACCATCCTGGCTAACAAGGTGAAANNNNNNNNNNAAAAAAAAAAAAAAAAAAAAGAAAATGA inserted.
Protein change: p.Asp38delinsGluAlaGlyArgGlyGlySerArgLeuTer.
Molecular consequence: nonsense. On other transcripts: 5 prime UTR variant (1).
Genome position: GRCh38: chr8:89,982,787-89,982,788. GRCh37 (hg19): chr8:90,995,015-90,995,016.
Other names: c.-184_-183insGGCCGGGCGCGGTGGCTCACGCCTGTAATCCCAGCACTTTGGGAGGCCGAGGCGGGTGGATCATGAGGTCAGGAGATCGAGACCATCCTGGCTAACAAGGTGAAANNNNNNNNNNAAAAAAAAAAAAAAAAAAAAGAAAATGA (NM_001024688.3).
Identifiers: ClinVar variation 1070578 (VCV001070578.7), dbSNP rs2129925072.